The following is an entry in ClinVar:

ClinVar aggregate classification (germline): Benign. Review status: criteria provided, multiple submitters, no conflicts (2 of 4 stars). 2 submissions from 2 submitters: Benign (2). Last evaluated 2018-06-14.

Allele frequency attached by ClinVar (database versions not stated): gnomAD exomes 0.16975; ESP Exome Variant Server 0.19079; gnomAD 0.20346 and 0.20888; TOPMed 0.21409; 1000 Genomes Project 30x 0.29372; 1000 Genomes Project 0.29493.
gnomAD v4.1: 247,025 of 1,411,758 alleles (17%); highest among the groups gnomAD compares: East Asian, 44%; 24,570 homozygotes.

Submissions (2):

GeneDx
Classification: Benign. Last evaluated: 2018-06-14. Review status: criteria provided, single submitter. Criteria: GeneDx Variant Classification (06012015). Collection method: clinical testing. Allele origin: germline. Affected: yes.
Comment: This variant is considered likely benign or benign based on one or more of the following criteria: it is a conservative change, it occurs at a poorly conserved position in the protein, it is predicted to be benign by multiple in silico algorithms, and/or has population frequency not consistent with disease.

Breakthrough Genomics
Classification: Benign. Review status: criteria provided, single submitter. Criteria: ACMG Guidelines, 2015. Collection method: not provided. Allele origin: germline. Inheritance: Autosomal recessive inheritance. Affected: yes.

NM_002495.4(NDUFS4):c.424+60T>G

Gene: NDUFS4 (NADH:ubiquinone oxidoreductase subunit S4; plus strand). Cytogenetic location: 5q11.2.
Variant type: single nucleotide variant.
Coding change: c.424+60T>G on transcript NM_002495.4 (MANE Select); 60 bases into the intron after coding-DNA position 424, T replaced by G.
Molecular consequence: intron variant.
Genome position (GRCh38, 1-based): chr5:53,658,684, T>G. VCF-style: chr5-53658684-T-G. GRCh37 (hg19) VCF-style: chr5-52954514-T-G.
Other names: c.350+12279T>G (NM_001318051.2).
Identifiers: ClinVar variation 671561 (VCV000671561.2), dbSNP rs535277, ClinGen allele CA15376543.